The following is an entry in ClinVar:

ClinVar aggregate classification (germline): Benign/Likely benign. Review status: criteria provided, multiple submitters, no conflicts (2 of 4 stars). 5 submissions from 5 submitters: Benign (4); Likely benign (1). Last evaluated 2026-01-15.

Conditions:
Primary ciliary dyskinesia. Also called: Ciliary dyskinesia. Identifiers: Orphanet 244, MedGen C0008780, MONDO:0016575, HP:0012265.
Primary ciliary dyskinesia 13. Also called: CILIARY DYSKINESIA, PRIMARY, 13, WITH OR WITHOUT SITUS INVERSUS. Identifiers: Orphanet 244, MedGen C2750790, MONDO:0013174, OMIM 613193.

Allele frequency attached by ClinVar (database versions not stated): ESP Exome Variant Server 0.00015; gnomAD 0.00093 and 0.00105; TOPMed 0.00096; gnomAD exomes 0.00117 and 0.00227; ExAC 0.00215; 1000 Genomes Project 30x 0.00234; 1000 Genomes Project 0.00240.
gnomAD v4.1: 1,866 of 1,614,088 alleles (0.12%); highest among the groups gnomAD compares: East Asian, 1.3%; 11 homozygotes.

Submissions (5):

Labcorp Genetics (formerly Invitae), Labcorp
Classification: Benign for Primary ciliary dyskinesia. Last evaluated: 2026-01-15. Review status: criteria provided, single submitter. Criteria: Invitae Variant Classification Sherloc (09022015). Collection method: clinical testing. Allele origin: germline.

CeGaT Center for Human Genetics Tuebingen
Classification: Benign. Last evaluated: 2022-06-01. Review status: criteria provided, single submitter. Criteria: CeGaT Center For Human Genetics Tuebingen Variant Classification Criteria Version 2. Collection method: clinical testing. Allele origin: germline. Affected: yes. Observed: 1 variant allele.
Comment: DNAAF1: BP4, BS1, BS2

Illumina Laboratory Services, Illumina
Classification: Likely benign for Primary ciliary dyskinesia 13. Last evaluated: 2018-01-13. Review status: criteria provided, single submitter. Criteria: ICSL Variant Classification Criteria 13 December 2019. Collection method: clinical testing. Allele origin: germline.
Comment: This variant was observed in the ICSL laboratory as part of a predisposition screen in an ostensibly healthy population. It had not been previously curated by ICSL or reported in the Human Gene Mutation Database (HGMD: prior to June 1st, 2018), and was therefore a candidate for classification through an automated scoring system. Utilizing variant allele frequency, disease prevalence and penetrance estimates, and inheritance mode, an automated score was calculated to assess if this variant is too frequent to cause the disease. Based on the score and internal cut-off values, a variant classified as likely benign is not then subjected to further curation. The score for this variant resulted in a classification of likely benign for this disease.

Ambry Genetics
Classification: Benign for Primary ciliary dyskinesia. Last evaluated: 2016-01-11. Review status: criteria provided, single submitter. Criteria: Ambry Variant Classification Scheme 2023. Collection method: clinical testing. Allele origin: germline.

PreventionGenetics, part of Exact Sciences
Classification: Benign. Review status: criteria provided, single submitter. Criteria: ACMG Guidelines, 2015. Collection method: clinical testing. Allele origin: germline.

NM_178452.6(DNAAF1):c.1750G>A (p.Asp584Asn)

Gene: DNAAF1 (dynein axonemal assembly factor 1; plus strand). Cytogenetic location: 16q24.1.
Variant type: single nucleotide variant.
Coding change: c.1750G>A on transcript NM_178452.6 (MANE Select); coding-DNA position 1750, G replaced by A.
Protein change: p.Asp584Asn; replaces aspartic acid 584 with asparagine.
Molecular consequence: missense variant.
Genome position (GRCh38, 1-based): chr16:84,175,984, G>A. VCF-style: chr16-84175984-G-A. GRCh37 (hg19) VCF-style: chr16-84209590-G-A.
Other names: c.1042G>A, p.Asp348Asn (NM_001318756.1); short protein forms D584N, D348N.
Identifiers: ClinVar variation 262946 (VCV000262946.42), dbSNP rs142345677, ClinGen allele CA8203026.